The following is an entry in ClinVar:

ClinVar aggregate classification (germline): Conflicting classifications of pathogenicity. Review status: criteria provided, conflicting classifications (1 of 4 stars). 2 submissions from 2 submitters: Uncertain significance (1); Likely benign (1). Last evaluated 2025-10-23.

Conditions:
Inborn genetic diseases. Identifiers: MedGen C0950123, MeSH D030342.
Congenital myopathy with internal nuclei and atypical cores. Also called: Myopathy, centronuclear, 4. Identifiers: Orphanet 319160, MedGen C4707232, MONDO:0013890, OMIM 614807.

Allele frequency attached by ClinVar (database versions not stated): ESP Exome Variant Server 0.00008; TOPMed 0.00008; gnomAD 0.00011; gnomAD exomes 0.00012; ExAC 0.00015.
gnomAD v4.1: 193 of 1,612,578 alleles (0.012%); highest among the groups gnomAD compares: Non-Finnish European, 0.015%; no homozygotes.

Submissions (2):

Labcorp Genetics (formerly Invitae), Labcorp
Classification: Uncertain significance for Congenital myopathy with internal nuclei and atypical cores. Last evaluated: 2025-10-23. Review status: criteria provided, single submitter. Criteria: Invitae Variant Classification Sherloc (09022015). Collection method: clinical testing. Allele origin: germline.
Comment: This sequence change replaces histidine, which is basic and polar, with arginine, which is basic and polar, at codon 142 of the CCDC78 protein (p.His142Arg). This variant is present in population databases (rs147899031, gnomAD 0.03%), and has an allele count higher than expected for a pathogenic variant. This variant has not been reported in the literature in individuals affected with CCDC78-related conditions. ClinVar contains an entry for this variant (Variation ID: 839691). Invitae Evidence Modeling of protein sequence and biophysical properties (such as structural, functional, and spatial information, amino acid conservation, physicochemical variation, residue mobility, and thermodynamic stability) indicates that this missense variant is not expected to disrupt CCDC78 protein function with a negative predictive value of 80%. In summary, the available evidence is currently insufficient to determine the role of this variant in disease. Therefore, it has been classified as a Variant of Uncertain Significance.

Ambry Genetics
Classification: Likely benign for Inborn genetic diseases. Last evaluated: 2021-12-07. Review status: criteria provided, single submitter. Criteria: Ambry Variant Classification Scheme 2023. Collection method: clinical testing. Allele origin: germline.

NM_001378030.1(CCDC78):c.425A>G (p.His142Arg)

Gene: CCDC78 (coiled-coil domain containing 78; minus strand). Cytogenetic location: 16p13.3.
Variant type: single nucleotide variant.
Coding change: c.425A>G on transcript NM_001378030.1 (MANE Select); coding-DNA position 425, A replaced by G.
Protein change: p.His142Arg; replaces histidine 142 with arginine.
Molecular consequence: missense variant. On other transcripts: non-coding transcript variant (4), intron variant (1).
Genome position (GRCh38, 1-based): chr16:725,423, T>C on the plus strand (A>G on the coding strand, the complement: CCDC78 is on the minus strand). VCF-style: chr16-725423-T-C. GRCh37 (hg19) VCF-style: chr16-775423-T-C.
Other names: c.425A>G, p.His142Arg (NM_001031737.3, NM_001378031.1); c.-18-130A>G (NM_001378033.1); short protein forms H142R.
Identifiers: ClinVar variation 839691 (VCV000839691.9), dbSNP rs147899031, ClinGen allele CA7789624.